The following is an entry in ClinVar:

ClinVar aggregate classification (germline): Likely pathogenic (1 of 4 stars; one submission).

Conditions:
Anauxetic dysplasia. Identifiers: Orphanet 93347, MedGen C1846796, MONDO:0011773.

Allele frequency attached by ClinVar (database versions not stated): gnomAD exomes below 0.00001.

Submission:

Labcorp Genetics (formerly Invitae), Labcorp
Classification: Likely pathogenic for Anauxetic dysplasia. Last evaluated: 2020-06-23. Review status: criteria provided, single submitter. Criteria: Invitae Variant Classification Sherloc (09022015). Collection method: clinical testing. Allele origin: germline.
Comment: The frequency data for this variant in the population databases is considered unreliable, as metrics indicate insufficient coverage at this position in the ExAC database. This variant occurs in the RMRP gene, which encodes an RNA molecule that does not result in a protein product. While this particular variant has not been reported in the literature, it is located in the promoter region between the TATA box and the transcription initiation site, and other insertions and duplications immediately upstream of the coding sequence have been reported in individuals affected with cartilage-hair hypoplasia-anauxetic dysplasia (CHH-AD) spectrum disorders (PMID: 16244706, 11207361, 12107819). In summary, the currently available evidence indicates that the variant is pathogenic, but additional data are needed to prove that conclusively. Therefore, this variant has been classified as Likely Pathogenic. While functional studies for this variant have not been reported, experimental analyses using patient derived cells, as well as in vitro transfection studies, have shown that promoter insertions result in silencing of RMRP transcription and reduced expression of the gene product (PMID: 11207361, 16254002).

Literature cited by the submitters: PubMed 16244706; PubMed 11207361; PubMed 12107819; PubMed 16254002.

NC_000009.12:g.35658023_35658032dup

Gene: RMRP (RNA component of mitochondrial RNA processing endoribonuclease; minus strand). Cytogenetic location: 9p13.3.
Variant type: Duplication.
Genome position: GRCh38 VCF-style: chr9-35658022-T-TCCTCAGCTTC. GRCh37 (hg19) VCF-style: chr9-35658019-T-TCCTCAGCTTC.
Identifiers: ClinVar variation 1066758 (VCV001066758.9), dbSNP rs1823637418, ClinGen allele CA1846127687.
Genomic context (GRCh38, chr9:35,658,022, plus strand): 5'-AGGGGAGGAACAGAGTCCTCAGTGTGTAGCCTAGGATACAGGCCTTCAGCACGAACCACG[T>TCCTCAGCTTC]CCTCAGCTTCACAGAGTAGTATTTTATAGCCCTAAAGAAATTGTGTTTTATGATTAGGGT-3'